The following is an entry in ClinVar:

NM_001170700.3(DTHD1):c.263C>T (p.Ser88Leu)

Gene: DTHD1 (death domain containing 1; plus strand). Cytogenetic location: 4p14.
Variant type: single nucleotide variant.
Coding change: c.263C>T on transcript NM_001170700.3 (MANE Select); coding-DNA position 263, C replaced by T.
Protein change: p.Ser88Leu; replaces serine 88 with leucine.
Molecular consequence: missense variant. On other transcripts: synonymous variant (2), non-coding transcript variant (2).
Genome position (GRCh38, 1-based): chr4:36,282,021, C>T. VCF-style: chr4-36282021-C-T. GRCh37 (hg19) VCF-style: chr4-36283643-C-T.
Other names: c.9C>T, p.Leu3= (NM_001136536.5, NM_001378435.1); c.9C>T (NM_001136536.4); short protein forms S88L.
Identifiers: ClinVar variation 1145720 (VCV001145720.10), dbSNP rs991741810, ClinGen allele CA95762172.

ClinVar aggregate classification (germline): Likely benign. Review status: criteria provided, multiple submitters, no conflicts (2 of 4 stars). 3 submissions from 3 submitters: Likely benign (2). 1 of the submissions does not count toward it. Last evaluated 2026-01-05.

Conditions:
DTHD1-related disorder. Also called: DTHD1-related condition.

Allele frequency attached by ClinVar (database versions not stated): gnomAD exomes 0.00003; TOPMed 0.00003; gnomAD 0.00004.
gnomAD v4.1: 52 of 1,521,312 alleles (0.0034%); highest among the groups gnomAD compares: East Asian, 0.01%; no homozygotes.

Submissions (3):

Labcorp Genetics (formerly Invitae), Labcorp
Classification: Likely benign. Last evaluated: 2026-01-05. Review status: criteria provided, single submitter. Criteria: Invitae Variant Classification Sherloc (09022015). Collection method: clinical testing. Allele origin: germline.

Blueprint Genetics
Classification: Likely benign. Last evaluated: 2024-09-23. Review status: criteria provided, single submitter. Criteria: ACMG Guidelines, 2015. Collection method: clinical testing. Allele origin: germline.

PreventionGenetics, part of Exact Sciences
Classification: Likely benign for DTHD1-related condition. Last evaluated: 2019-08-07. Review status: no assertion criteria provided. Collection method: clinical testing. Allele origin: germline. Not counted in ClinVar's aggregate classification.
Comment: This variant is classified as likely benign based on ACMG/AMP sequence variant interpretation guidelines (Richards et al. 2015 PMID: 25741868, with internal and published modifications).